The following is an entry in ClinVar:

NM_000152.5(GAA):c.2494A>G (p.Thr832Ala)

Gene: GAA (alpha glucosidase; plus strand). Cytogenetic location: 17q25.3.
Variant type: single nucleotide variant.
Coding change: c.2494A>G on transcript NM_000152.5 (MANE Select); coding-DNA position 2494, A replaced by G.
Protein change: p.Thr832Ala; replaces threonine 832 with alanine.
Molecular consequence: missense variant.
Genome position (GRCh38, 1-based): chr17:80,118,205, A>G. VCF-style: chr17-80118205-A-G. GRCh37 (hg19) VCF-style: chr17-78092004-A-G.
Other names: c.2494A>G, p.Thr832Ala (NM_001079803.3, NM_001079804.3, NM_001406741.1 and 1 more transcripts); short protein forms T832A.
Identifiers: ClinVar variation 4614225 (VCV004614225.1).

ClinVar aggregate classification (germline): Uncertain significance (1 of 4 stars; one submission).

Conditions:
Cardiovascular phenotype. Identifiers: MedGen CN230736.

Submission:

Ambry Genetics
Classification: Uncertain significance for Cardiovascular phenotype. Last evaluated: 2025-09-18. Review status: criteria provided, single submitter. Criteria: Ambry Variant Classification Scheme 2023. Collection method: clinical testing. Allele origin: germline.
Comment: The p.T832A variant (also known as c.2494A>G), located in coding exon 17 of the GAA gene, results from an A to G substitution at nucleotide position 2494. The threonine at codon 832 is replaced by alanine, an amino acid with similar properties. This amino acid position is conserved. In addition, the in silico prediction for this alteration is inconclusive. Based on the available evidence, the clinical significance of this variant remains unclear.